The following is an entry in ClinVar:

ClinVar aggregate classification (germline): Benign/Likely benign. Review status: criteria provided, multiple submitters, no conflicts (2 of 4 stars). 6 submissions from 6 submitters: Benign (5); Likely benign (1). Last evaluated 2026-01-14.

Conditions:
Cardiovascular phenotype. Identifiers: MedGen CN230736.
Lymphatic malformation 7 (LMPHM7). Also called: Hydrops fetalis, nonimmune, and/or atrial septal defect, susceptibility to. Identifiers: MedGen C4310629, MONDO:0015009, OMIM 617300.
Capillary malformation-arteriovenous malformation 2 (CMAVM2). Identifiers: Orphanet 693912, MedGen C4748670, MONDO:0020785, OMIM 618196.

Allele frequency attached by ClinVar (database versions not stated): gnomAD 0.00854 and 0.00915; TOPMed 0.00940; gnomAD exomes 0.00231 and 0.00089; ESP Exome Variant Server 0.01053; 1000 Genomes Project 0.01058; 1000 Genomes Project 30x 0.01156; ExAC 0.00283.

Submissions (6):

Labcorp Genetics (formerly Invitae), Labcorp
Classification: Benign. Last evaluated: 2026-01-14. Review status: criteria provided, single submitter. Criteria: Invitae Variant Classification Sherloc (09022015). Collection method: clinical testing. Allele origin: germline.

ARUP Laboratories, Molecular Genetics and Genomics, ARUP Laboratories
Classification: Benign. Last evaluated: 2023-10-25. Review status: criteria provided, single submitter. Criteria: ARUP Molecular Germline Variant Investigation Process 2024. Collection method: clinical testing. Allele origin: germline.

Mayo Clinic Laboratories, Mayo Clinic
Classification: Benign. Last evaluated: 2023-09-11. Review status: criteria provided, single submitter. Criteria: ACMG Guidelines, 2015. Collection method: clinical testing. Allele origin: germline. Observed: 6 variant alleles.
Comment: BS1, BS2, BP4, BP7

Fulgent Genetics
Classification: Likely benign for Lymphatic malformation 7; Capillary malformation-arteriovenous malformation 2. Last evaluated: 2022-01-06. Review status: criteria provided, single submitter. Criteria: ACMG Guidelines, 2015. Collection method: clinical testing. Allele origin: unknown.

Ambry Genetics
Classification: Benign for Cardiovascular phenotype. Last evaluated: 2020-12-10. Review status: criteria provided, single submitter. Criteria: Ambry Variant Classification Scheme 2023. Collection method: clinical testing. Allele origin: germline.

Breakthrough Genomics
Classification: Benign. Review status: criteria provided, single submitter. Criteria: ACMG Guidelines, 2015. Collection method: not provided. Allele origin: germline. Inheritance: Autosomal dominant inheritance. Affected: yes.

NM_004444.5(EPHB4):c.1743T>C (p.Tyr581=)

Gene: EPHB4 (EPH receptor B4; minus strand). Cytogenetic location: 7q22.1.
Variant type: single nucleotide variant.
Coding change: c.1743T>C on transcript NM_004444.5 (MANE Select); coding-DNA position 1743, T replaced by C.
Protein change: p.Tyr581=; no amino-acid change (tyrosine 581 retained).
Molecular consequence: synonymous variant.
Genome position (GRCh38, 1-based): chr7:100,813,665, A>G on the plus strand (T>C on the coding strand, the complement: EPHB4 is on the minus strand). VCF-style: chr7-100813665-A-G. GRCh37 (hg19) VCF-style: chr7-100411287-A-G.
Other names: p.Tyr581=.
Identifiers: ClinVar variation 778328 (VCV000778328.16), dbSNP rs116240595, ClinGen allele CA4392856.